The following is an entry in ClinVar:

ClinVar aggregate classification (germline): Uncertain significance (1 of 4 stars; one submission).

Conditions:
Hajdu-Cheney syndrome (HJCYS). Also called: ACROOSTEOLYSIS WITH OSTEOPOROSIS AND CHANGES IN SKULL AND MANDIBLE; Acroosteolysis dominant type; SERPENTINE FIBULA-POLYCYSTIC KIDNEY SYNDROME. Identifiers: Orphanet 955, MedGen C0917715, MONDO:0007057, OMIM 102500.

Submission:

Labcorp Genetics (formerly Invitae), Labcorp
Classification: Uncertain significance for Hajdu-Cheney syndrome. Last evaluated: 2023-10-15. Review status: criteria provided, single submitter. Criteria: Invitae Variant Classification Sherloc (09022015). Collection method: clinical testing. Allele origin: germline.
Comment: This variant, c.3276_3284del, results in the deletion of 3 amino acid(s) of the NOTCH2 protein (p.Trp1093_Gly1095del), but otherwise preserves the integrity of the reading frame. This variant is not present in population databases (gnomAD no frequency). This variant has not been reported in the literature in individuals affected with NOTCH2-related conditions. Experimental studies and prediction algorithms are not available or were not evaluated, and the functional significance of this variant is currently unknown. In summary, the available evidence is currently insufficient to determine the role of this variant in disease. Therefore, it has been classified as a Variant of Uncertain Significance.

NM_024408.4(NOTCH2):c.3276_3284del (p.Trp1093_Gly1095del)

Gene: NOTCH2 (notch receptor 2; minus strand). Cytogenetic location: 1p12.
Variant type: Deletion.
Coding change: c.3276_3284del on transcript NM_024408.4 (MANE Select); coding-DNA positions 3276 to 3284, 9 bases deleted (ATGGGCTGG; older notation c.3276_3284delATGGGCTGG).
Protein change: p.Trp1093_Gly1095del.
Molecular consequence: inframe deletion.
Genome position (GRCh38, 1-based): chr1:119,937,910-119,937,918, CCAGCCCAT deleted on the plus strand (ATGGGCTGG on the coding strand, the reverse complement: NOTCH2 is on the minus strand); deleting any 9 consecutive bases within chr1:119,937,910-119,937,922 gives the same sequence; the c. name uses the placement nearest the transcript's 3' end. VCF-style (leftmost placement, unchanged base first): chr1-119937909-ACCAGCCCAT-A. GRCh37 (hg19) VCF-style: chr1-120480532-ACCAGCCCAT-A.
Other names: c.3276_3284del, p.Trp1093_Gly1095del (NM_001200001.2).
Identifiers: ClinVar variation 2768768 (VCV002768768.3), dbSNP rs2526192901, ClinGen allele CA2697554510.